The following is an entry in ClinVar:

NM_003052.5(SLC34A1):c.1359C>T (p.Thr453=)

Gene: SLC34A1 (solute carrier family 34 member 1; plus strand). Cytogenetic location: 5q35.3.
Variant type: single nucleotide variant.
Coding change: c.1359C>T on transcript NM_003052.5 (MANE Select); coding-DNA position 1359, C replaced by T.
Protein change: p.Thr453=; no amino-acid change (threonine 453 retained).
Molecular consequence: synonymous variant.
Genome position (GRCh38, 1-based): chr5:177,397,017, C>T. VCF-style: chr5-177397017-C-T. GRCh37 (hg19) VCF-style: chr5-176824018-C-T.
Other names: c.1359C>T (NM_003052.4).
Identifiers: ClinVar variation 1557006 (VCV001557006.17), dbSNP rs144141245, ClinGen allele CA3580763.

ClinVar aggregate classification (germline): Likely benign. Review status: criteria provided, multiple submitters, no conflicts (2 of 4 stars). 3 submissions from 3 submitters: Likely benign (2). 1 of the submissions does not count toward it. Last evaluated 2025-03-01.

Conditions:
SLC34A1-related disorder. Also called: SLC34A1-related condition; SLC34A1-related disorders.

Allele frequency attached by ClinVar (database versions not stated): gnomAD 0.00009; ExAC 0.00010; gnomAD exomes 0.00010 and 0.00012; TOPMed 0.00011; ESP Exome Variant Server 0.00015; 1000 Genomes Project 30x 0.00016; 1000 Genomes Project 0.00020.

Submissions (3):

CeGaT Center for Human Genetics Tuebingen
Classification: Likely benign. Last evaluated: 2025-03-01. Review status: criteria provided, single submitter. Criteria: CeGaT Center For Human Genetics Tuebingen Variant Classification Criteria Version 2. Collection method: clinical testing. Allele origin: germline. Affected: yes. Observed: 1 variant allele.
Comment: SLC34A1: BP4, BP7

Labcorp Genetics (formerly Invitae), Labcorp
Classification: Likely benign. Last evaluated: 2024-12-11. Review status: criteria provided, single submitter. Criteria: Invitae Variant Classification Sherloc (09022015). Collection method: clinical testing. Allele origin: germline.

PreventionGenetics, part of Exact Sciences
Classification: Likely benign for SLC34A1-related condition. Last evaluated: 2019-07-12. Review status: no assertion criteria provided. Collection method: clinical testing. Allele origin: germline. Not counted in ClinVar's aggregate classification.
Comment: This variant is classified as likely benign based on ACMG/AMP sequence variant interpretation guidelines (Richards et al. 2015 PMID: 25741868, with internal and published modifications).